The following is an entry in ClinVar:

ClinVar aggregate classification (germline): Likely pathogenic (1 of 4 stars; one submission).

Conditions:
Early onset severe obesity. Identifiers: MedGen C4013980.

Submission:

Cambridge Genomics Laboratory, East Genomic Laboratory Hub, NHS Genomic Medicine Service
Classification: Likely pathogenic for Severe early-onset obesity. Last evaluated: 2025-10-31. Review status: criteria provided, single submitter. Criteria: ACGS Best Practice Guidelines for Variant Classification in Rare Disease 2020. Collection method: clinical testing. Allele origin: germline. Affected: yes.
Comment: PVS1_Strong,PM2

NM_005912.3(MC4R):c.828T>A (p.Tyr276Ter)

Gene: MC4R (melanocortin 4 receptor; minus strand). Cytogenetic location: 18q21.32.
Variant type: single nucleotide variant.
Coding change: c.828T>A on transcript NM_005912.3 (MANE Select); coding-DNA position 828, T replaced by A.
Protein change: p.Tyr276Ter; replaces tyrosine 276 with a stop codon.
Molecular consequence: nonsense.
Genome position (GRCh38, 1-based): chr18:60,371,522, A>T on the plus strand (T>A on the coding strand, the complement: MC4R is on the minus strand). VCF-style: chr18-60371522-A-T. GRCh37 (hg19) VCF-style: chr18-58038755-A-T.
Other names: short protein forms Y276*.
Identifiers: ClinVar variation 4540616 (VCV004540616.1).